The following is an entry in ClinVar:

NM_006767.4(LZTR1):c.1942G>T (p.Gly648Cys)

Gene: LZTR1 (leucine zipper like post translational regulator 1; plus strand). Cytogenetic location: 22q11.21.
Variant type: single nucleotide variant.
Coding change: c.1942G>T on transcript NM_006767.4 (MANE Select); coding-DNA position 1942, G replaced by T.
Protein change: p.Gly648Cys; replaces glycine 648 with cysteine.
Molecular consequence: missense variant.
Genome position (GRCh38, 1-based): chr22:20,995,026, G>T. VCF-style: chr22-20995026-G-T. GRCh37 (hg19) VCF-style: chr22-21349315-G-T.
Other names: short protein forms G648C.
Identifiers: ClinVar variation 1696415 (VCV001696415.6), dbSNP rs1417500183, ClinGen allele CA410778806.

ClinVar aggregate classification (germline): Conflicting classifications of pathogenicity. Review status: criteria provided, conflicting classifications (1 of 4 stars). 3 submissions from 3 submitters: Likely pathogenic (2); Uncertain significance (1). Last evaluated 2026-04-28.

Conditions:
Hereditary cancer-predisposing syndrome. Also called: Hereditary Cancer Syndrome; Neoplastic Syndromes, Hereditary; Hereditary neoplastic syndrome; Tumor predisposition. Identifiers: Orphanet 140162, MedGen C0027672, MeSH D009386, MONDO:0015356.
Cardiovascular phenotype. Identifiers: MedGen CN230736.
LZTR1-related schwannomatosis. Also called: Schwannomatosis 2; Schwannomatosis-2, susceptibility to. Identifiers: Orphanet 93921, MedGen C3810283, MONDO:0014299, OMIM 615670.

gnomAD v4.1: 2 of 1,605,638 alleles (0.00012%); highest among the groups gnomAD compares: African/African-American, 0.0013%; no homozygotes.

Submissions (3):

Ambry Genetics
Classification: Likely pathogenic for Cardiovascular phenotype; Hereditary cancer-predisposing syndrome. Last evaluated: 2026-04-28. Review status: criteria provided, single submitter. Criteria: Ambry Variant Classification Scheme 2023. Collection method: clinical testing. Allele origin: germline.
Comment: The c.1942G>T variant (also known as p.G648C), located in coding exon 16 of the LZTR1 gene, results from a G to T substitution at nucleotide position 1942. The amino acid change results in glycine to cysteine at codon 648, an amino acid with highly dissimilar properties. However, this change occurs in the last base pair of coding exon 16, which makes it likely to have some effect on normal mRNA splicing. This variant was reported in individual(s) with schwnnomatosis and congenital heart disease (Drago&scaron; V&Scaron; et al. Int J Mol Sci, 2022 Jul;23:; Sierant MC et al. Proc Natl Acad Sci U S A, 2025 Apr;122:e2420343122). In silico splice site analysis predicts that this alteration will not have any significant effect on splicing. RNA studies have demonstrated that this variant results in abnormal splicing (Drago&scaron; V&Scaron; et al. Int J Mol Sci, 2022 Jul;23:; Ambry internal data). Other variant(s) impacting the same donor site (c.1942+1G>C) have been shown to have a similar impact on splicing in individual(s) with features consistent with schwannomatosis (Ambry internal data). Loss-of-function variants in LZTR1 are related to an increased risk for schwannomas and autosomal recessive Noonan syndrome; however, such associations with autosomal dominant Noonan syndrome have not been observed (Piotrowski A et al. Nat Genet. 2014 Feb;46:182-7; Yamamoto GL et al. J Med Genet. 2015 Jun;52:413-21; Johnston JJ et al. Genet Med. 2018 10;20:1175-1185). Based on the supporting evidence, this variant is likely pathogenic for an increased risk of LZTR1-related schwannomatosis (SWN) and would be expected to cause autosomal recessive Noonan syndrome when present along with a second pathogenic or likely pathogenic variant on the other allele; however, the association of this variant with autosomal dominant Noonan syndrome is unlikely.

Labcorp Genetics (formerly Invitae), Labcorp
Classification: Uncertain significance. Last evaluated: 2025-09-03. Review status: criteria provided, single submitter. Criteria: Invitae Variant Classification Sherloc (09022015). Collection method: clinical testing. Allele origin: germline.
Comment: This sequence change replaces glycine, which is neutral and non-polar, with cysteine, which is neutral and slightly polar, at codon 648 of the LZTR1 protein (p.Gly648Cys). RNA analysis indicates that this missense change induces altered splicing and may result in an absent or altered protein product. The frequency data for this variant in the population databases is considered unreliable, as metrics indicate poor data quality at this position in the gnomAD database. This missense change has been observed in individual(s) with schwannomatosis (PMID: 35806449). ClinVar contains an entry for this variant (Variation ID: 1696415). An algorithm developed to predict the effect of missense changes on protein structure and function (PolyPhen-2) suggests that this variant is likely to be disruptive. Variants that disrupt the consensus splice site are a relatively common cause of aberrant splicing (PMID: 17576681, 9536098). Studies have shown that this missense change results in partial skipping of exon 16 and skipping of exon 16, and produces a non-functional protein and/or introduces a premature termination codon (PMID: 35806449). In summary, the available evidence is currently insufficient to determine the role of this variant in disease. Therefore, it has been classified as a Variant of Uncertain Significance.

Department of Molecular Diagnostics, Institute of Oncology Ljubljana
Classification: Likely pathogenic for LZTR1-related schwannomatosis. Last evaluated: 2022-05-15. Review status: criteria provided, single submitter. Criteria: ACMG Guidelines, 2015. Collection method: clinical testing. Allele origin: germline. Affected: yes.
Comment: LZTR1:c.1942G>T variant is present in 0.00041% in the large population studies (GnomAd). It is predicted to abolish natural donor splice site of exon 16 by in silico splicing tools. Functional RNA study has shown that the variant causes a significant splicing aberration leading to out-of-frame transcript (PMID: 35806449). Therefore the variant was classified as likely pathogenic (ACMG/AMP: PM2, PP3, PS3, PP4).

Literature cited by the submitters: PubMed 35806449 (cited by 3 submitters); PubMed 40127276 (cited by Ambry Genetics); PubMed 17576681 (cited by Labcorp Genetics (formerly Invitae), Labcorp); PubMed 9536098 (cited by Labcorp Genetics (formerly Invitae), Labcorp).